The following is an entry in ClinVar:

ClinVar aggregate classification (germline): Uncertain significance. Review status: criteria provided, multiple submitters, no conflicts (2 of 4 stars). 2 submissions from 2 submitters: Uncertain significance (2). Last evaluated 2024-10-03.

Conditions:
Inborn genetic diseases. Identifiers: MedGen C0950123, MeSH D030342.
Nemaline myopathy 8 (NEM8). Also called: Nemaline myopathy 8, autosomal recessive. Identifiers: Orphanet 171430, MedGen C3809209, MONDO:0014138, OMIM 615348.

Allele frequency attached by ClinVar (database versions not stated): gnomAD exomes below 0.00001; ExAC 0.00001.

Submissions (2):

Ambry Genetics
Classification: Uncertain significance for Inborn genetic diseases. Last evaluated: 2024-10-03. Review status: criteria provided, single submitter. Criteria: Ambry Variant Classification Scheme 2023. Collection method: clinical testing. Allele origin: germline.

Labcorp Genetics (formerly Invitae), Labcorp
Classification: Uncertain significance for Nemaline myopathy 8. Last evaluated: 2022-06-27. Review status: criteria provided, single submitter. Criteria: Invitae Variant Classification Sherloc (09022015). Collection method: clinical testing. Allele origin: germline.
Comment: This sequence change replaces methionine, which is neutral and non-polar, with arginine, which is basic and polar, at codon 26 of the KLHL40 protein (p.Met26Arg). This variant has not been reported in the literature in individuals affected with KLHL40-related conditions. This variant is present in population databases (rs750482533, gnomAD 0.007%). Algorithms developed to predict the effect of missense changes on protein structure and function are either unavailable or do not agree on the potential impact of this missense change (SIFT: "Deleterious"; PolyPhen-2: "Probably Damaging"; Align-GVGD: "Class C0"). In summary, the available evidence is currently insufficient to determine the role of this variant in disease. Therefore, it has been classified as a Variant of Uncertain Significance.

NM_152393.4(KLHL40):c.77T>G (p.Met26Arg)

Gene: KLHL40 (kelch like family member 40; plus strand). Cytogenetic location: 3p22.1.
Variant type: single nucleotide variant.
Coding change: c.77T>G on transcript NM_152393.4 (MANE Select); coding-DNA position 77, T replaced by G.
Protein change: p.Met26Arg; replaces methionine 26 with arginine.
Molecular consequence: missense variant.
Genome position (GRCh38, 1-based): chr3:42,685,695, T>G. VCF-style: chr3-42685695-T-G. GRCh37 (hg19) VCF-style: chr3-42727187-T-G.
Other names: c.77T>G (NM_152393.2); short protein forms M26R.
Identifiers: ClinVar variation 1924683 (VCV001924683.6), dbSNP rs750482533, ClinGen allele CA2336557.